The following is an entry in ClinVar:

ClinVar aggregate classification (germline): Uncertain significance. Review status: criteria provided, multiple submitters, no conflicts (2 of 4 stars). 2 submissions from 2 submitters: Uncertain significance (2). Last evaluated 2024-02-17.

Allele frequency attached by ClinVar (database versions not stated): gnomAD 0.00001; gnomAD exomes 0.00001; ExAC 0.00002; TOPMed 0.00002.
gnomAD v4.1: 10 of 1,613,252 alleles (0.00062%); highest among the groups gnomAD compares: Admixed American, 0.0033%; no homozygotes.

Submissions (2):

Ambry Genetics
Classification: Uncertain significance. Last evaluated: 2024-02-17. Review status: criteria provided, single submitter. Criteria: Ambry Variant Classification Scheme 2023. Collection method: clinical testing. Allele origin: germline.

Labcorp Genetics (formerly Invitae), Labcorp
Classification: Uncertain significance. Last evaluated: 2023-10-14. Review status: criteria provided, single submitter. Criteria: Invitae Variant Classification Sherloc (09022015). Collection method: clinical testing. Allele origin: germline.
Comment: This sequence change replaces asparagine, which is neutral and polar, with serine, which is neutral and polar, at codon 309 of the HS6ST1 protein (p.Asn309Ser). This variant is present in population databases (rs777732997, gnomAD 0.006%). This variant has not been reported in the literature in individuals affected with HS6ST1-related conditions. Advanced modeling of protein sequence and biophysical properties (such as structural, functional, and spatial information, amino acid conservation, physicochemical variation, residue mobility, and thermodynamic stability) performed at Invitae indicates that this missense variant is not expected to disrupt HS6ST1 protein function. In summary, the available evidence is currently insufficient to determine the role of this variant in disease. Therefore, it has been classified as a Variant of Uncertain Significance.

NM_004807.3(HS6ST1):c.926A>G (p.Asn309Ser)

Gene: HS6ST1 (heparan sulfate 6-O-sulfotransferase 1; minus strand). Cytogenetic location: 2q14.3.
Variant type: single nucleotide variant.
Coding change: c.926A>G on transcript NM_004807.3 (MANE Select); coding-DNA position 926, A replaced by G.
Protein change: p.Asn309Ser; replaces asparagine 309 with serine.
Molecular consequence: missense variant.
Genome position (GRCh38, 1-based): chr2:128,268,472, T>C on the plus strand (A>G on the coding strand, the complement: HS6ST1 is on the minus strand). VCF-style: chr2-128268472-T-C. GRCh37 (hg19) VCF-style: chr2-129026046-T-C.
Other names: c.926A>G (NM_004807.2); short protein forms N309S.
Identifiers: ClinVar variation 2967103 (VCV002967103.4), dbSNP rs777732997, ClinGen allele CA1867519.
Genomic context (GRCh38, chr2:128,268,472, plus strand): 5'-ACCTCCACGCCGCCCGCCCGCGTGCTATTGTACTGCATGAAGGGCCGGATGAACTTGAGG[T>C]TGAACGTCCGCTCGAACAGGTACTGCGTCTTGCGCTGGAACTCGGTCAGGCCGAAGAAGG-3'
Protein context (NP_004798.3, residues 299-319): KTQYLFERTF[Asn309Ser]LKFIRPFMQY